The following is an entry in ClinVar:

ClinVar aggregate classification (germline): Uncertain significance. Review status: criteria provided, multiple submitters, no conflicts (2 of 4 stars). 2 submissions from 2 submitters: Uncertain significance (2). Last evaluated 2022-07-05.

Allele frequency attached by ClinVar (database versions not stated): TOPMed below 0.00001.

Submissions (2):

Labcorp Genetics (formerly Invitae), Labcorp
Classification: Uncertain significance. Last evaluated: 2022-07-05. Review status: criteria provided, single submitter. Criteria: Invitae Variant Classification Sherloc (09022015). Collection method: clinical testing. Allele origin: germline.
Comment: This sequence change replaces serine, which is neutral and polar, with isoleucine, which is neutral and non-polar, at codon 1255 of the USH2A protein (p.Ser1255Ile). This variant is not present in population databases (gnomAD no frequency). This variant has not been reported in the literature in individuals affected with USH2A-related conditions. ClinVar contains an entry for this variant (Variation ID: 1014586). Algorithms developed to predict the effect of missense changes on protein structure and function are either unavailable or do not agree on the potential impact of this missense change (SIFT: "Deleterious"; PolyPhen-2: "Probably Damaging"; Align-GVGD: "Class C0"). In summary, the available evidence is currently insufficient to determine the role of this variant in disease. Therefore, it has been classified as a Variant of Uncertain Significance.

Blueprint Genetics
Classification: Uncertain significance. Last evaluated: 2019-08-13. Review status: criteria provided, single submitter. Criteria: ACMG Guidelines, 2015. Collection method: clinical testing. Allele origin: germline.

NM_206933.4(USH2A):c.3764G>T (p.Ser1255Ile)

Genes: USH2A (usherin; minus strand), USH2A-AS1 (USH2A antisense RNA 1; plus strand). Cytogenetic location: 1q41.
Variant type: single nucleotide variant.
Coding change: c.3764G>T on transcript NM_206933.4 (MANE Select); coding-DNA position 3764, G replaced by T.
Protein change: p.Ser1255Ile; replaces serine 1255 with isoleucine.
Molecular consequence: missense variant.
Genome position (GRCh38, 1-based): chr1:216,199,674, C>A on the plus strand (G>T on the coding strand, the complement: USH2A is on the minus strand). VCF-style: chr1-216199674-C-A. GRCh37 (hg19) VCF-style: chr1-216373016-C-A.
Other names: c.3764G>T, p.Ser1255Ile (NM_007123.6); short protein forms S1255I.
Identifiers: ClinVar variation 1014586 (VCV001014586.10), dbSNP rs753188233, ClinGen allele CA344867734.